The following is an entry in ClinVar:

ClinVar aggregate classification (germline): Uncertain significance (1 of 4 stars; one submission).

Submission:

Labcorp Genetics (formerly Invitae), Labcorp
Classification: Uncertain significance. Last evaluated: 2025-11-17. Review status: criteria provided, single submitter. Criteria: Invitae Variant Classification Sherloc (09022015). Collection method: clinical testing. Allele origin: germline.
Comment: This sequence change replaces leucine, which is neutral and non-polar, with proline, which is neutral and non-polar, at codon 1024 of the HSPG2 protein (p.Leu1024Pro). This variant is not present in population databases (gnomAD no frequency). This variant has not been reported in the literature in individuals affected with HSPG2-related conditions. ClinVar contains an entry for this variant (Variation ID: 2874890). An algorithm developed to predict the effect of missense changes on protein structure and function (PolyPhen-2) suggests that this variant is likely to be disruptive. In summary, the available evidence is currently insufficient to determine the role of this variant in disease. Therefore, it has been classified as a Variant of Uncertain Significance.

NM_005529.7(HSPG2):c.3071T>C (p.Leu1024Pro)

Gene: HSPG2 (heparan sulfate proteoglycan 2; minus strand). Cytogenetic location: 1p36.12.
Variant type: single nucleotide variant.
Coding change: c.3071T>C on transcript NM_005529.7 (MANE Select); coding-DNA position 3071, T replaced by C.
Protein change: p.Leu1024Pro; replaces leucine 1024 with proline.
Molecular consequence: missense variant.
Genome position (GRCh38, 1-based): chr1:21,875,975, A>G on the plus strand (T>C on the coding strand, the complement: HSPG2 is on the minus strand). VCF-style: chr1-21875975-A-G. GRCh37 (hg19) VCF-style: chr1-22202468-A-G.
Other names: c.3074T>C, p.Leu1025Pro (NM_001291860.2); short protein forms L1024P, L1025P.
Identifiers: ClinVar variation 2874890 (VCV002874890.3), dbSNP rs1489455113, ClinGen allele CA338962305.